The following is an entry in ClinVar:

NM_003072.5(SMARCA4):c.1523A>G (p.His508Arg)

Gene: SMARCA4 (SWI/SNF related BAF chromatin remodeling complex subunit ATPase 4; plus strand). Cytogenetic location: 19p13.2.
Variant type: single nucleotide variant.
Coding change: c.1523A>G on transcript NM_003072.5 (MANE Select); coding-DNA position 1523, A replaced by G.
Protein change: p.His508Arg; replaces histidine 508 with arginine.
Molecular consequence: missense variant. On other transcripts: non-coding transcript variant (1).
Genome position (GRCh38, 1-based): chr19:10,994,931, A>G. VCF-style: chr19-10994931-A-G. GRCh37 (hg19) VCF-style: chr19-11105607-A-G.
Other names: c.1523A>G, p.His508Arg (NM_001128844.3, NM_001128845.2, NM_001128846.2 and 6 more transcripts); short protein forms H508R.
Identifiers: ClinVar variation 1774471 (VCV001774471.2), dbSNP rs2145940677, ClinGen allele CA404062176.

ClinVar aggregate classification (germline): Uncertain significance (1 of 4 stars; one submission).

Conditions:
Hereditary cancer-predisposing syndrome. Also called: Hereditary Cancer Syndrome; Hereditary neoplastic syndrome; Neoplastic Syndromes, Hereditary; Tumor predisposition. Identifiers: Orphanet 140162, MedGen C0027672, MeSH D009386, MONDO:0015356.

Submission:

Ambry Genetics
Classification: Uncertain significance for Hereditary cancer-predisposing syndrome. Last evaluated: 2021-04-21. Review status: criteria provided, single submitter. Criteria: Ambry Variant Classification Scheme 2023. Collection method: clinical testing. Allele origin: germline.
Comment: The p.H508R variant (also known as c.1523A>G), located in coding exon 8 of the SMARCA4 gene, results from an A to G substitution at nucleotide position 1523. The histidine at codon 508 is replaced by arginine, an amino acid with highly similar properties. This amino acid position is highly conserved in available vertebrate species. In addition, this alteration is predicted to be deleterious by in silico analysis. Missense and in-frame variants in SMARCA4 are known to cause neurodevelopmental disorders; however, such associations with rhabdoid tumor predisposition syndrome including small cell carcinoma of the ovary-hypercalcemic type (SCCOHT) are exceedingly rare (Kosho T et al. Am J Med Genet C Semin Med Genet. 2014 Sep;166C(3):262-75; Jelinic P et al. Nat Genet. 2014 May;46(5):424-6). Since supporting evidence is limited at this time, the clinical significance of this alteration remains unclear.